The following is an entry in ClinVar:

ClinVar aggregate classification (germline): Uncertain significance. Review status: criteria provided, multiple submitters, no conflicts (2 of 4 stars). 2 submissions from 2 submitters: Uncertain significance (2). Last evaluated 2025-08-01.

Conditions:
Inborn genetic diseases. Identifiers: MedGen C0950123, MeSH D030342.

Submissions (2):

Ambry Genetics
Classification: Uncertain significance for Inborn genetic diseases. Last evaluated: 2025-08-01. Review status: criteria provided, single submitter. Criteria: Ambry Variant Classification Scheme 2023. Collection method: clinical testing. Allele origin: germline.

GeneDx
Classification: Uncertain significance. Last evaluated: 2025-04-18. Review status: criteria provided, single submitter. Criteria: GeneDx Variant Classification Process June 2021. Collection method: clinical testing. Allele origin: germline. Affected: yes.
Comment: Not observed at significant frequency in large population cohorts (gnomAD); In silico analysis indicates that this missense variant does not alter protein structure/function; Has not been previously published as pathogenic or benign to our knowledge

NM_001271938.2(MEGF8):c.3847G>C (p.Gly1283Arg)

Gene: MEGF8 (multiple EGF like domains 8; plus strand). Cytogenetic location: 19q13.2.
Variant type: single nucleotide variant.
Coding change: c.3847G>C on transcript NM_001271938.2 (MANE Select); coding-DNA position 3847, G replaced by C.
Protein change: p.Gly1283Arg; replaces glycine 1283 with arginine.
Molecular consequence: missense variant.
Genome position (GRCh38, 1-based): chr19:42,353,860, G>C. VCF-style: chr19-42353860-G-C. GRCh37 (hg19) VCF-style: chr19-42858012-G-C.
Other names: c.3646G>C, p.Gly1216Arg (NM_001410.3); short protein forms G1216R, G1283R.
Identifiers: ClinVar variation 4106435 (VCV004106435.2).